The following is an entry in ClinVar:

NM_005751.5(AKAP9):c.6289G>C (p.Val2097Leu)

Gene: AKAP9 (A-kinase anchoring protein 9; plus strand). Cytogenetic location: 7q21.2.
Variant type: single nucleotide variant.
Coding change: c.6289G>C on transcript NM_005751.5 (MANE Select); coding-DNA position 6289, G replaced by C.
Protein change: p.Val2097Leu; replaces valine 2097 with leucine.
Molecular consequence: missense variant.
Genome position (GRCh38, 1-based): chr7:92,066,505, G>C. VCF-style: chr7-92066505-G-C. GRCh37 (hg19) VCF-style: chr7-91695819-G-C.
Other names: c.934G>C, p.Val312Leu (NM_001379277.1); c.6289G>C, p.Val2097Leu (NM_147185.3); short protein forms V2097L, V312L.
Identifiers: ClinVar variation 1752635 (VCV001752635.5), dbSNP rs1055578457, ClinGen allele CA161915772.

ClinVar aggregate classification (germline): Uncertain significance. Review status: criteria provided, multiple submitters, no conflicts (2 of 4 stars). 2 submissions from 2 submitters: Uncertain significance (2). Last evaluated 2024-12-27.

Conditions:
Cardiovascular phenotype. Identifiers: MedGen CN230736.
Long QT syndrome (LQTS). Identifiers: MedGen C0023976, MeSH D008133, MONDO:0002442. Disease mechanism: loss of function. Inheritance: Various modes of inheritance.

Allele frequency attached by ClinVar (database versions not stated): gnomAD exomes below 0.00001.
gnomAD v4.1: 6 of 1,613,562 alleles (0.00037%); highest among the groups gnomAD compares: Admixed American, 0.0067%; no homozygotes.

Submissions (2):

Labcorp Genetics (formerly Invitae), Labcorp
Classification: Uncertain significance for Long QT syndrome. Last evaluated: 2024-12-27. Review status: criteria provided, single submitter. Criteria: Invitae Variant Classification Sherloc (09022015). Collection method: clinical testing. Allele origin: germline.
Comment: This sequence change replaces valine, which is neutral and non-polar, with leucine, which is neutral and non-polar, at codon 2097 of the AKAP9 protein (p.Val2097Leu). This variant is present in population databases (no rsID available, gnomAD 0.003%). This variant has not been reported in the literature in individuals affected with AKAP9-related conditions. ClinVar contains an entry for this variant (Variation ID: 1752635). An algorithm developed to predict the effect of missense changes on protein structure and function (PolyPhen-2) suggests that this variant is likely to be tolerated. In summary, the available evidence is currently insufficient to determine the role of this variant in disease. Therefore, it has been classified as a Variant of Uncertain Significance.

Ambry Genetics
Classification: Uncertain significance for Cardiovascular phenotype. Last evaluated: 2024-06-17. Review status: criteria provided, single submitter. Criteria: Ambry Variant Classification Scheme 2023. Collection method: clinical testing. Allele origin: germline.